The following is an entry in ClinVar:

NM_004168.4(SDHA):c.457-4A>T

Gene: SDHA (succinate dehydrogenase complex flavoprotein subunit A; plus strand). Cytogenetic location: 5p15.33.
Variant type: single nucleotide variant.
Coding change: c.457-4A>T on transcript NM_004168.4 (MANE Select); 4 bases into the intron before coding-DNA position 457, A replaced by T.
Molecular consequence: intron variant.
Genome position (GRCh38, 1-based): chr5:225,879, A>T. VCF-style: chr5-225879-A-T. GRCh37 (hg19) VCF-style: chr5-225994-A-T.
Other names: c.457-4A>T (NM_001330758.2); c.313-4A>T (NM_001294332.2).
Identifiers: ClinVar variation 1999125 (VCV001999125.4), dbSNP rs770052391, ClinGen allele CA2580073104.

ClinVar aggregate classification (germline): Uncertain significance (1 of 4 stars; one submission).

Conditions:
Pheochromocytoma/paraganglioma syndrome 5. Also called: Paragangliomas 5; SDHA-Related Hereditary Paraganglioma-Pheochromocytoma Syndrome. Identifiers: Orphanet 29072, MedGen C3279992, MONDO:0013602, OMIM 614165.
Mitochondrial complex II deficiency, nuclear type 1. Also called: SUCCINATE CoQ REDUCTASE DEFICIENCY. Identifiers: Orphanet 3208, MedGen C5700310, MONDO:0100294, OMIM 252011.

Submission:

Labcorp Genetics (formerly Invitae), Labcorp
Classification: Uncertain significance for Pheochromocytoma/paraganglioma syndrome 5; Mitochondrial complex II deficiency, nuclear type 1. Last evaluated: 2023-03-20. Review status: criteria provided, single submitter. Criteria: Invitae Variant Classification Sherloc (09022015). Collection method: clinical testing. Allele origin: germline.
Comment: In summary, the available evidence is currently insufficient to determine the role of this variant in disease. Therefore, it has been classified as a Variant of Uncertain Significance. Algorithms developed to predict the effect of sequence changes on RNA splicing suggest that this variant may create or strengthen a splice site. ClinVar contains an entry for this variant (Variation ID: 1999125). This variant has not been reported in the literature in individuals affected with SDHA-related conditions. This variant is not present in population databases (gnomAD no frequency). This sequence change falls in intron 4 of the SDHA gene. It does not directly change the encoded amino acid sequence of the SDHA protein.